The following is an entry in ClinVar:

NM_001165963.4(SCN1A):c.1882T>A (p.Ser628Thr)

Gene: SCN1A (sodium voltage-gated channel alpha subunit 1; minus strand). Cytogenetic location: 2q24.3.
Variant type: single nucleotide variant.
Coding change: c.1882T>A on transcript NM_001165963.4 (MANE Select); coding-DNA position 1882, T replaced by A.
Protein change: p.Ser628Thr; replaces serine 628 with threonine.
Molecular consequence: missense variant. On other transcripts: 5 prime UTR variant (1), non-coding transcript variant (1).
Genome position (GRCh38, 1-based): chr2:166,043,830, A>T on the plus strand (T>A on the coding strand, the complement: SCN1A is on the minus strand). VCF-style: chr2-166043830-A-T. GRCh37 (hg19) VCF-style: chr2-166900340-A-T.
Other names: p.S628T:TCA>ACA; c.1882T>A, p.Ser628Thr (NM_001165964.3, NM_001202435.3, NM_001353948.2 and 7 more transcripts); c.1879T>A, p.Ser627Thr (NM_001353954.2, NM_001353955.2, NM_001353960.2); c.-544T>A (NM_001353961.2); short protein forms S628T, S627T.
Identifiers: ClinVar variation 206777 (VCV000206777.23), dbSNP rs752639991, ClinGen allele CA317273.

ClinVar aggregate classification (germline): Uncertain significance. Review status: criteria provided, multiple submitters, no conflicts (2 of 4 stars). 5 submissions from 4 submitters: Uncertain significance (5). Last evaluated 2025-12-22.

Conditions:
Early-infantile DEE. Also called: Early infantile epileptic encephalopathy; Ohtahara syndrome; Early infantile epileptic encephalopathy with suppression bursts. Identifiers: Orphanet 1934, MedGen C0393706, MONDO:0800491.
Migraine, familial hemiplegic, 3. Identifiers: Orphanet 569, MedGen C1864987, MONDO:0012320, OMIM 609634.
Generalized epilepsy with febrile seizures plus, type 2 (GEFSP2). Also called: GEFS+, TYPE 2. Identifiers: Orphanet 36387, MedGen C1858673, MONDO:0011461, OMIM 604403.

Allele frequency attached by ClinVar (database versions not stated): ExAC 0.00001; gnomAD exomes 0.00001; gnomAD 0.00002; TOPMed 0.00002.
gnomAD v4.1: 15 of 1,613,980 alleles (0.00093%); highest among the groups gnomAD compares: East Asian, 0.0022%; no homozygotes.

Submissions (5):

Labcorp Genetics (formerly Invitae), Labcorp
Classification: Uncertain significance for Early-infantile DEE. Last evaluated: 2025-12-22. Review status: criteria provided, single submitter. Criteria: Invitae Variant Classification Sherloc (09022015). Collection method: clinical testing. Allele origin: germline.
Comment: This sequence change replaces serine, which is neutral and polar, with threonine, which is neutral and polar, at codon 628 of the SCN1A protein (p.Ser628Thr). This variant is present in population databases (rs752639991, gnomAD 0.003%). This missense change has been observed in individual(s) with clinical features of SCN1A-related conditions and/or Dravet Syndrome (PMID: 34645491; internal data). ClinVar contains an entry for this variant (Variation ID: 206777). Invitae Evidence Modeling of protein sequence and biophysical properties (such as structural, functional, and spatial information, amino acid conservation, physicochemical variation, residue mobility, and thermodynamic stability) indicates that this missense variant is not expected to disrupt SCN1A protein function with a negative predictive value of 95%. In summary, the available evidence is currently insufficient to determine the role of this variant in disease. Therefore, it has been classified as a Variant of Uncertain Significance.

GeneDx
Classification: Uncertain significance. Last evaluated: 2023-03-31. Review status: criteria provided, single submitter. Criteria: GeneDx Variant Classification Process June 2021. Collection method: clinical testing. Allele origin: germline. Affected: yes.
Comment: Has not been previously published as pathogenic or benign to our knowledge; Not observed at a significant frequency in large population cohorts (gnomAD); In silico analysis supports that this missense variant does not alter protein structure/function; This substitution is predicted to be in the cytoplasmic loop between the first and second homologous domains; Missense variants in this gene are often considered pathogenic (HGMD)

Mayo Clinic Laboratories, Mayo Clinic
Classification: Uncertain significance. Last evaluated: 2020-10-22. Review status: criteria provided, single submitter. Criteria: ACMG Guidelines, 2015. Collection method: clinical testing. Allele origin: germline. Observed: 1 variant allele.

Illumina Laboratory Services, Illumina
Classification: Uncertain significance for Migraine, familial hemiplegic, 3. Last evaluated: 2018-01-13. Review status: criteria provided, single submitter. Criteria: ICSL Variant Classification Criteria 13 December 2019. Collection method: clinical testing. Allele origin: germline.

Illumina Laboratory Services, Illumina
Classification: Uncertain significance for Generalized epilepsy with febrile seizures plus, type 2. Last evaluated: 2018-01-13. Review status: criteria provided, single submitter. Criteria: ICSL Variant Classification Criteria 13 December 2019. Collection method: clinical testing. Allele origin: germline.

Literature cited by the submitters: PubMed 34645491 (cited by Labcorp Genetics (formerly Invitae), Labcorp).